The following is an entry in ClinVar:

ClinVar aggregate classification (germline): Conflicting classifications of pathogenicity. Review status: criteria provided, conflicting classifications (1 of 4 stars). 7 submissions from 6 submitters: Likely pathogenic (5); Uncertain significance (2). Last evaluated 2024-11-03.

Conditions:
Malignant hyperthermia, susceptibility to, 5 (MHS5). Also called: CACNA1S-Related Malignant Hyperthermia Susceptibility. Identifiers: Orphanet 423, MedGen C1866077, MONDO:0011163, OMIM 601887.
Hypokalemic periodic paralysis, type 1. Also called: HypoPP; Hypokalemic Periodic Paralysis Type 1 (AD). Identifiers: Orphanet 681, MedGen C3714580, MONDO:0042979, OMIM 170400.

Allele frequency attached by ClinVar (database versions not stated): gnomAD exomes below 0.00001; gnomAD 0.00001.
gnomAD v4.1: 3 of 1,613,470 alleles (0.00019%); highest among the groups gnomAD compares: Admixed American, 0.0033%; no homozygotes.

Submissions (7):

Labcorp Genetics (formerly Invitae), Labcorp
Classification: Likely pathogenic for Hypokalemic periodic paralysis, type 1; Malignant hyperthermia, susceptibility to, 5. Last evaluated: 2024-11-03. Review status: criteria provided, single submitter. Criteria: Invitae Variant Classification Sherloc (09022015). Collection method: clinical testing. Allele origin: germline.
Comment: This sequence change affects an acceptor splice site in intron 39 of the CACNA1S gene. It is expected to disrupt RNA splicing. Variants that disrupt the donor or acceptor splice site typically lead to a loss of protein function (PMID: 16199547), and loss-of-function variants in CACNA1S are known to be pathogenic (PMID: 26247046, 28012042). This variant is present in population databases (no rsID available, gnomAD 0.003%). This variant has not been reported in the literature in individuals affected with CACNA1S-related conditions. ClinVar contains an entry for this variant (Variation ID: 639552). Algorithms developed to predict the effect of sequence changes on RNA splicing suggest that this variant may disrupt the consensus splice site. In summary, the currently available evidence indicates that the variant is pathogenic, but additional data are needed to prove that conclusively. Therefore, this variant has been classified as Likely Pathogenic.

All of Us Research Program, National Institutes of Health
Classification: Uncertain significance for Malignant hyperthermia, susceptibility to, 5. Last evaluated: 2023-07-10. Review status: criteria provided, single submitter. Criteria: ACMG Guidelines, 2015. Collection method: clinical testing. Allele origin: germline. Inheritance: Autosomal dominant inheritance. Observed: 1 variant allele, 1 heterozygote.
Comment: This variant causes an A to G nucleotide substitution at the -2 position of intron 39 of the CACNA1S gene. Splice site prediction tools suggest that this variant may have a significant impact on RNA splicing. Although this prediction has not been confirmed in published RNA studies, this variant is expected to result in an absent or disrupted protein product. This variant has not been reported in individuals affected with malignant hyperthermia susceptibility in the literature but may be associated with other condition(s) (ClinVar variation ID: 639552). This variant has been identified in 1/249854 chromosomes in the general population by the Genome Aggregation Database (gnomAD). Loss of CACNA1S function due to haploinsufficiency is not an established disease mechanism for autosomal dominant malignant hyperthermia susceptibility. Due to insufficient evidence, this variant is classified as a Variant of Uncertain Significance for autosomal dominant malignant hyperthermia.

This study involves interpretation of variants in research participants for the purpose of population health screening. Participant phenotype was not available at the time of variant classification. Additional details can be found in publication PMID: 35346344, PMCID: PMC8962531

Color Diagnostics, LLC DBA Color Health
Classification: Uncertain significance for Malignant hyperthermia, susceptibility to, 5. Last evaluated: 2023-06-21. Review status: criteria provided, single submitter. Criteria: ACMG Guidelines, 2015. Collection method: clinical testing. Allele origin: germline.
Comment: This variant causes an A to G nucleotide substitution at the -2 position of intron 39 of the CACNA1S gene. Splice site prediction tools suggest that this variant may have a significant impact on RNA splicing. Although this prediction has not been confirmed in published RNA studies, this variant is expected to result in an absent or disrupted protein product. This variant has not been reported in individuals affected with malignant hyperthermia susceptibility in the literature but may be associated with other condition(s) (ClinVar variation ID: 639552). This variant has been identified in 1/249854 chromosomes in the general population by the Genome Aggregation Database (gnomAD). Loss of CACNA1S function due to haploinsufficiency is not an established disease mechanism for autosomal dominant malignant hyperthermia susceptibility. Due to insufficient evidence, this variant is classified as a Variant of Uncertain Significance for autosomal dominant malignant hyperthermia.

Genome-Nilou Lab
Classification: Likely pathogenic for Malignant hyperthermia, susceptibility to, 5. Last evaluated: 2023-04-11. Review status: criteria provided, single submitter. Criteria: ACMG Guidelines, 2015. Collection method: clinical testing. Allele origin: germline. Affected: no.

Genome-Nilou Lab
Classification: Likely pathogenic for Hypokalemic periodic paralysis, type 1. Last evaluated: 2023-04-11. Review status: criteria provided, single submitter. Criteria: ACMG Guidelines, 2015. Collection method: clinical testing. Allele origin: germline. Affected: no.

GeneDx
Classification: Likely pathogenic. Last evaluated: 2022-06-21. Review status: criteria provided, single submitter. Criteria: GeneDx Variant Classification Process June 2021. Collection method: clinical testing. Allele origin: germline. Affected: yes.
Comment: Canonical splice site variant predicted to result in a null allele in a gene for which loss of function is a known mechanism of disease; Not observed at significant frequency in large population cohorts (gnomAD); Has not been previously published as pathogenic or benign to our knowledge

Revvity Omics, Revvity
Classification: Likely pathogenic. Last evaluated: 2021-06-24. Review status: criteria provided, single submitter. Criteria: ACMG Guidelines, 2015. Collection method: clinical testing. Allele origin: germline.

Literature cited by the submitters: PubMed 16199547 (cited by Labcorp Genetics (formerly Invitae), Labcorp); PubMed 26247046 (cited by Labcorp Genetics (formerly Invitae), Labcorp); PubMed 28012042 (cited by Labcorp Genetics (formerly Invitae), Labcorp).

NM_000069.3(CACNA1S):c.4798-2A>G

Gene: CACNA1S (calcium voltage-gated channel subunit alpha1 S; minus strand). Cytogenetic location: 1q32.1.
Variant type: single nucleotide variant.
Coding change: c.4798-2A>G on transcript NM_000069.3 (MANE Select); the canonical splice acceptor site of the intron before coding-DNA position 4798, A replaced by G.
Molecular consequence: splice acceptor variant.
Genome position (GRCh38, 1-based): chr1:201,043,533, T>C on the plus strand (A>G on the coding strand, the complement: CACNA1S is on the minus strand). VCF-style: chr1-201043533-T-C. GRCh37 (hg19) VCF-style: chr1-201012661-T-C.
Identifiers: ClinVar variation 639552 (VCV000639552.14), dbSNP rs1428157373, ClinGen allele CA344137968.
Genomic context (GRCh38, chr1:201,043,533, plus strand): 5'-GGCAGGGAGTTGGTCCTTTCCAGGAAGTTGTCCACCTGGCCAAACAGGCCTCCAGTCCTC[T>C]AGGGGCAAGGAGAAGAGCAGTGACTGGGGGTGAGGGCAGGGAGGGCATGGGGGGCTGTCA-3'